The following is an entry in ClinVar:

NM_000088.4(COL1A1):c.1213del (p.Ile405fs)

Gene: COL1A1 (collagen type I alpha 1 chain; minus strand). Cytogenetic location: 17q21.33.
Variant type: Deletion.
Coding change: c.1213del on transcript NM_000088.4 (MANE Select); coding-DNA position 1213, one base deleted (A; older notation c.1213delA).
Protein change: p.Ile405fs; shifts the reading frame from isoleucine 405.
Molecular consequence: frameshift variant.
Genome position (GRCh38, 1-based): chr17:50,195,318, T deleted on the plus strand (A on the coding strand, the reverse complement: COL1A1 is on the minus strand). VCF-style (leftmost placement, unchanged base first): chr17-50195317-AT-A. GRCh37 (hg19) VCF-style: chr17-48272678-AT-A.
Other names: short protein forms I405fs.
Identifiers: ClinVar variation 2017109 (VCV002017109.4), dbSNP rs2509226407, ClinGen allele CA2580094570.

ClinVar aggregate classification (germline): Pathogenic (1 of 4 stars; one submission).

Conditions:
Osteogenesis imperfecta type I (OI1). Also called: Osteogenesis imperfecta type 1; Classic Non-deforming Osteogenesis Imperfecta with Blue Sclerae; Lobstein disease; OI, TYPE I; OSTEOGENESIS IMPERFECTA TARDA; OSTEOGENESIS IMPERFECTA WITH BLUE SCLERAE. Identifiers: Orphanet 216796, Orphanet 666, MedGen C0023931, MONDO:0008146, OMIM 166200. Disease mechanism: loss of function.

Submission:

Labcorp Genetics (formerly Invitae), Labcorp
Classification: Pathogenic for Osteogenesis imperfecta type I. Last evaluated: 2022-08-23. Review status: criteria provided, single submitter. Criteria: Invitae Variant Classification Sherloc (09022015). Collection method: clinical testing. Allele origin: germline.
Comment: For these reasons, this variant has been classified as Pathogenic. This variant has not been reported in the literature in individuals affected with COL1A1-related conditions. This variant is not present in population databases (gnomAD no frequency). This sequence change creates a premature translational stop signal (p.Ile405Leufs*136) in the COL1A1 gene. It is expected to result in an absent or disrupted protein product. Loss-of-function variants in COL1A1 are known to be pathogenic (PMID: 7942841, 9295084, 9443882).

Literature cited by the submitters: PubMed 7942841; PubMed 9295084; PubMed 9443882.